The following is an entry in ClinVar:

NM_005529.7(HSPG2):c.9902C>T (p.Ala3301Val)

Gene: HSPG2 (heparan sulfate proteoglycan 2; minus strand). Cytogenetic location: 1p36.12.
Variant type: single nucleotide variant.
Coding change: c.9902C>T on transcript NM_005529.7 (MANE Select); coding-DNA position 9902, C replaced by T.
Protein change: p.Ala3301Val; replaces alanine 3301 with valine.
Molecular consequence: missense variant.
Genome position (GRCh38, 1-based): chr1:21,839,073, G>A on the plus strand (C>T on the coding strand, the complement: HSPG2 is on the minus strand). VCF-style: chr1-21839073-G-A. GRCh37 (hg19) VCF-style: chr1-22165566-G-A.
Other names: c.9905C>T, p.Ala3302Val (NM_001291860.2); short protein forms A3302V, A3301V.
Identifiers: ClinVar variation 875815 (VCV000875815.9), dbSNP rs140197256, ClinGen allele CA670276.
Genomic context (GRCh38, chr1:21,839,073, plus strand): 5'-AGGCACTGGAGCTGCACCGTCTCCCCTGCCTGCACCGAAGCGTGCTCTGGGACCGTGGTG[G>A]CATATGGTGGGCCTGAGTGGGGGGACACAGAGGTCAGGATTGGGGAGGGCAAAGGTCAGA-3'
Protein context (NP_005520.4, residues 3291-3311): IILHVESPPY[Ala3301Val]TTVPEHASVQ

ClinVar aggregate classification (germline): Uncertain significance. Review status: criteria provided, multiple submitters, no conflicts (2 of 4 stars). 4 submissions from 3 submitters: Uncertain significance (4). Last evaluated 2021-09-01.

Conditions:
Lethal Kniest-like syndrome (DDSH). Also called: Dyssegmental Dysplasia. Identifiers: Orphanet 1865, MedGen C1857100, MONDO:0009140, OMIM 224410.
Schwartz-Jampel syndrome. Also called: Myotonic myopathy dwarfism chondrodystrophy and ocular and facial abnormalities. Identifiers: Orphanet 800, MedGen C0036391, MONDO:0009717.

Allele frequency attached by ClinVar (database versions not stated): gnomAD exomes 0.00006 and 0.00011; TOPMed 0.00006; ExAC 0.00007; gnomAD 0.00008; 1000 Genomes Project 30x 0.00016; 1000 Genomes Project 0.00020.
gnomAD v4.1: 165 of 1,584,596 alleles (0.01%); highest among the groups gnomAD compares: Non-Finnish European, 0.014%; no homozygotes.

Submissions (4):

Labcorp Genetics (formerly Invitae), Labcorp
Classification: Uncertain significance. Last evaluated: 2021-09-01. Review status: criteria provided, single submitter. Criteria: Invitae Variant Classification Sherloc (09022015). Collection method: clinical testing. Allele origin: germline.
Comment: This sequence change replaces alanine with valine at codon 3301 of the HSPG2 protein (p.Ala3301Val). The alanine residue is highly conserved and there is a small physicochemical difference between alanine and valine. This variant is present in population databases (rs140197256, ExAC 0.01%). This variant has not been reported in the literature in individuals affected with HSPG2-related conditions. ClinVar contains an entry for this variant (Variation ID: 875815). Algorithms developed to predict the effect of missense changes on protein structure and function are either unavailable or do not agree on the potential impact of this missense change (SIFT: "Tolerated"; PolyPhen-2: "Probably Damaging"; Align-GVGD: "Class C0"). In summary, the available evidence is currently insufficient to determine the role of this variant in disease. Therefore, it has been classified as a Variant of Uncertain Significance.

Athena Diagnostics
Classification: Uncertain significance. Last evaluated: 2021-01-13. Review status: criteria provided, single submitter. Criteria: Athena Diagnostics criteria. Collection method: clinical testing. Allele origin: unknown.

Illumina Laboratory Services, Illumina
Classification: Uncertain significance for Schwartz-Jampel syndrome type 1. Last evaluated: 2018-01-13. Review status: criteria provided, single submitter. Criteria: ICSL Variant Classification Criteria 13 December 2019. Collection method: clinical testing. Allele origin: germline.

Illumina Laboratory Services, Illumina
Classification: Uncertain significance for Lethal Kniest-like syndrome. Last evaluated: 2018-01-13. Review status: criteria provided, single submitter. Criteria: ICSL Variant Classification Criteria 13 December 2019. Collection method: clinical testing. Allele origin: germline.